The following is an entry in ClinVar:

NM_004415.4(DSP):c.4620C>T (p.Ile1540=)

Gene: DSP (desmoplakin; plus strand). Cytogenetic location: 6p24.3.
Variant type: single nucleotide variant.
Coding change: c.4620C>T on transcript NM_004415.4 (MANE Select); coding-DNA position 4620, C replaced by T.
Protein change: p.Ile1540=; no amino-acid change (isoleucine 1540 retained).
Molecular consequence: synonymous variant. On other transcripts: intron variant (2).
Genome position (GRCh38, 1-based): chr6:7,580,810, C>T. VCF-style: chr6-7580810-C-T. GRCh37 (hg19) VCF-style: chr6-7581043-C-T.
Other names: c.4050+570C>T (NM_001319034.2); c.3582+1038C>T (NM_001008844.3).
Identifiers: ClinVar variation 926547 (VCV000926547.14), dbSNP rs1385558717, ClinGen allele CA448715114.
Genomic context (GRCh38, chr6:7,580,810, plus strand): 5'-TGCGACGGAGACAATAAACAAACTGAAGGTTCAGGAGCAAGAACTGACACGCCTGAGGAT[C>T]GACTATGAAAGGGTTTCCCAGGAGAGGACTGTGAAGGACCAGGATATCACGCGGTTCCAG-3'
Protein context (NP_004406.2, residues 1530-1550): VQEQELTRLR[Ile1540=]DYERVSQERT

ClinVar aggregate classification (germline): Likely benign. Review status: criteria provided, multiple submitters, no conflicts (2 of 4 stars). 5 submissions from 5 submitters: Likely benign (5). Last evaluated 2025-12-16.

Conditions:
Cardiomyopathy (CMYO). Also called: Cardiomyopathies. Identifiers: Orphanet 167848, MedGen C0878544, MONDO:0004994, HP:0001638. Inheritance: Various modes of inheritance.
Arrhythmogenic cardiomyopathy with wooly hair and keratoderma. Also called: Carvajal syndrome; PALMOPLANTAR KERATODERMA WITH LEFT VENTRICULAR CARDIOMYOPATHY AND WOOLLY HAIR; Dilated cardiomyopathy with woolly hair and keratoderma; Arrhythmogenic cardiomyopathy with woolly hair and keratoderma. Identifiers: Orphanet 65282, MedGen C1854063, MONDO:0011581, OMIM 605676.
Arrhythmogenic right ventricular dysplasia 8 (ARVD8). Also called: Arrhythmogenic Right Ventricular Dysplasia/Cardiomyopathy 8; ARRHYTHMOGENIC RIGHT VENTRICULAR DYSPLASIA, FAMILIAL, 8; ARRHYTHMOGENIC RIGHT VENTRICULAR CARDIOMYOPATHY 8. Identifiers: MedGen C1843896, MONDO:0011831, OMIM 607450.
Cardiovascular phenotype. Identifiers: MedGen CN230736.

Allele frequency attached by ClinVar (database versions not stated): gnomAD exomes below 0.00001 and 0.00002; gnomAD 0.00001 and 0.00002; TOPMed 0.00002.
gnomAD v4.1: 29 of 1,613,958 alleles (0.0018%); highest among the groups gnomAD compares: Non-Finnish European, 0.0024%; no homozygotes.

Submissions (5):

Labcorp Genetics (formerly Invitae), Labcorp
Classification: Likely benign for Arrhythmogenic cardiomyopathy with wooly hair and keratoderma; Arrhythmogenic right ventricular dysplasia 8. Last evaluated: 2025-12-16. Review status: criteria provided, single submitter. Criteria: Invitae Variant Classification Sherloc (09022015). Collection method: clinical testing. Allele origin: germline.

Blueprint Genetics
Classification: Likely benign. Last evaluated: 2024-02-02. Review status: criteria provided, single submitter. Criteria: ACMG Guidelines, 2015. Collection method: clinical testing. Allele origin: germline.

All of Us Research Program, National Institutes of Health
Classification: Likely benign for Arrhythmogenic cardiomyopathy with wooly hair and keratoderma. Last evaluated: 2023-10-02. Review status: criteria provided, single submitter. Criteria: ACMG Guidelines, 2015. Collection method: clinical testing. Allele origin: germline. Inheritance: Autosomal dominant inheritance. Observed: 3 variant alleles, 3 heterozygotes.
Comment: This study involves interpretation of variants in research participants for the purpose of population health screening. Participant phenotype was not available at the time of variant classification. Additional details can be found in publication PMID: 35346344, PMCID: PMC8962531

Ambry Genetics
Classification: Likely benign for Cardiovascular phenotype. Last evaluated: 2022-11-02. Review status: criteria provided, single submitter. Criteria: Ambry Variant Classification Scheme 2023. Collection method: clinical testing. Allele origin: germline.

Color Diagnostics, LLC DBA Color Health
Classification: Likely benign for Cardiomyopathy. Last evaluated: 2020-01-07. Review status: criteria provided, single submitter. Criteria: ACMG Guidelines, 2015. Collection method: clinical testing. Allele origin: germline.